The following is an entry in ClinVar:

NM_170606.3(KMT2C):c.12250A>G (p.Ile4084Val)

Gene: KMT2C (lysine methyltransferase 2C; minus strand). Cytogenetic location: 7q36.1.
Variant type: single nucleotide variant.
Coding change: c.12250A>G on transcript NM_170606.3 (MANE Select); coding-DNA position 12250, A replaced by G.
Protein change: p.Ile4084Val; replaces isoleucine 4084 with valine.
Molecular consequence: missense variant.
Genome position (GRCh38, 1-based): chr7:152,154,036, T>C on the plus strand (A>G on the coding strand, the complement: KMT2C is on the minus strand). VCF-style: chr7-152154036-T-C. GRCh37 (hg19) VCF-style: chr7-151851121-T-C.
Other names: short protein forms I4084V.
Identifiers: ClinVar variation 2682324 (VCV002682324.1), dbSNP rs200466696, ClinGen allele CA4578847.
Genomic context (GRCh38, chr7:152,154,036, plus strand): 5'-CTGTTTAACATTAAGAAGTCATTTAATCTTTTACCTCAGCAGCTGTAGGATGCAGAGTAA[T>C]TGCTACAGATATAAGACCTGATCTGGGACCATTTGGGGAAGGACCAAAAGGTGACGCAAA-3'
Protein context (NP_733751.2, residues 4074-4094): GPRSGLISVA[Ile4084Val]TLHPTAAENI

ClinVar aggregate classification (germline): Uncertain significance (1 of 4 stars; one submission).

Allele frequency attached by ClinVar (database versions not stated): gnomAD 0.00001; gnomAD exomes 0.00001; TOPMed 0.00001.
gnomAD v4.1: 22 of 1,613,620 alleles (0.0014%); highest among the groups gnomAD compares: South Asian, 0.0066%; no homozygotes.

Submission:

Women's Health and Genetics/Laboratory Corporation of America, LabCorp
Classification: Uncertain significance. Last evaluated: 2023-11-03. Review status: criteria provided, single submitter. Criteria: LabCorp Variant Classification Summary - May 2015. Collection method: clinical testing. Allele origin: germline.
Comment: Variant summary: KMT2C c.12250A>G (p.Ile4084Val) results in a conservative amino acid change in the encoded protein sequence. Two of four in-silico tools predict a benign effect of the variant on protein function. The variant allele was found at a frequency of 2e-05 in 250474 control chromosomes. The available data on variant occurrences in the general population are insufficient to allow any conclusion about variant significance. To our knowledge, no occurrence of c.12250A>G in individuals affected with Kleefstra Syndrome 2 and no experimental evidence demonstrating its impact on protein function have been reported. No submitters have cited clinical-significance assessments for this variant to ClinVar after 2014. Based on the evidence outlined above, the variant was classified as uncertain significance.